The following is an entry in ClinVar:

NM_002637.4(PHKA1):c.1984C>T (p.Arg662Cys)

Gene: PHKA1 (phosphorylase kinase regulatory subunit alpha 1; minus strand). Cytogenetic location: Xq13.1.
Variant type: single nucleotide variant.
Coding change: c.1984C>T on transcript NM_002637.4 (MANE Select); coding-DNA position 1984, C replaced by T.
Protein change: p.Arg662Cys; replaces arginine 662 with cysteine.
Molecular consequence: missense variant. On other transcripts: intron variant (1).
Genome position (GRCh38, 1-based): chrX:72,620,878, G>A on the plus strand (C>T on the coding strand, the complement: PHKA1 is on the minus strand). VCF-style: chrX-72620878-G-A. GRCh37 (hg19) VCF-style: chrX-71840728-G-A.
Other names: c.1984C>T, p.Arg662Cys (NM_001122670.2, NM_001431068.1); c.1961-1573C>T (NM_001172436.2); short protein forms R662C.
Identifiers: ClinVar variation 3383795 (VCV003383795.1).

ClinVar aggregate classification (germline): Uncertain significance (1 of 4 stars; one submission).

gnomAD v4.1: 2 of 1,208,419 alleles (0.00017%); highest among the groups gnomAD compares: African/African-American, 0.0018%; no homozygotes.

Submission:

GeneDx
Classification: Uncertain significance. Last evaluated: 2024-05-31. Review status: criteria provided, single submitter. Criteria: GeneDx Variant Classification Process June 2021. Collection method: clinical testing. Allele origin: germline. Affected: yes.
Comment: Not observed at significant frequency in large population cohorts (gnomAD); In silico analysis supports that this missense variant has a deleterious effect on protein structure/function; Has not been previously published as pathogenic or benign to our knowledge